The following is an entry in ClinVar:

ClinVar aggregate classification (germline): Likely benign (1 of 4 stars; one submission).

Conditions:
CEP164-related disorder. Also called: CEP164-related condition.

Submission:

PreventionGenetics, part of Exact Sciences
Classification: Likely benign for CEP164-related condition. Last evaluated: 2026-07-16. Review status: criteria provided, single submitter. Criteria: ACMG Guidelines, 2015. Collection method: clinical testing. Allele origin: germline.
Comment: This variant is classified as likely benign based on ACMG/AMP sequence variant interpretation guidelines (Richards et al. 2015 PMID: 25741868, with internal and published modifications).

NM_014956.5(CEP164):c.1409+7T>C

Gene: CEP164 (centrosomal protein 164; plus strand). Cytogenetic location: 11q23.3.
Variant type: single nucleotide variant.
Coding change: c.1409+7T>C on transcript NM_014956.5 (MANE Select); 7 bases into the intron after coding-DNA position 1409, T replaced by C.
Molecular consequence: intron variant. On other transcripts: synonymous variant (5).
Genome position (GRCh38, 1-based): chr11:117,380,712, T>C. VCF-style: chr11-117380712-T-C. GRCh37 (hg19) VCF-style: chr11-117251428-T-C.
Other names: c.1416T>C, p.His472= (NM_001271933.2, NM_001440949.1, NM_001440961.1 and 1 more transcripts); c.1278T>C, p.His426= (NM_001440960.1); c.1250+7T>C (NM_001440972.1); c.1409+7T>C (NM_001440956.1, NM_001440950.1, NM_001440953.1 and 12 more transcripts); c.1331+7T>C (NM_001440952.1, NM_001440987.1, NM_001440954.1 and 16 more transcripts).
Identifiers: ClinVar variation 4991928 (VCV004991928.1).